The following is an entry in ClinVar:

ClinVar aggregate classification (germline): Uncertain significance (1 of 4 stars; one submission).

Conditions:
Cone-rod dystrophy 6 (CORD6). Also called: RETINAL CONE DYSTROPHY 2; Cone dystrophy progressive. Identifiers: Orphanet 1872, MedGen C1866293, MONDO:0011143, OMIM 601777.
Leber congenital amaurosis 1 (LCA1). Also called: Congenital absence of the rods and cones; Leber's congenital tapetoretinal degeneration; Leber's congenital tapetoretinal dysplasia; RETINAL BLINDNESS, CONGENITAL; AMAUROSIS CONGENITA OF LEBER I. Identifiers: Orphanet 65, MedGen C2931258, MONDO:0008764, OMIM 204000.

Allele frequency attached by ClinVar (database versions not stated): gnomAD 0.00001.

Submission:

Labcorp Genetics (formerly Invitae), Labcorp
Classification: Uncertain significance for Leber congenital amaurosis 1; Cone-rod dystrophy 6. Last evaluated: 2024-02-24. Review status: criteria provided, single submitter. Criteria: Invitae Variant Classification Sherloc (09022015). Collection method: clinical testing. Allele origin: germline.
Comment: This sequence change replaces proline, which is neutral and non-polar, with serine, which is neutral and polar, at codon 47 of the GUCY2D protein (p.Pro47Ser). The frequency data for this variant in the population databases is considered unreliable, as metrics indicate poor data quality at this position in the gnomAD database. This variant has not been reported in the literature in individuals affected with GUCY2D-related conditions. ClinVar contains an entry for this variant (Variation ID: 2196744). Advanced modeling of protein sequence and biophysical properties (such as structural, functional, and spatial information, amino acid conservation, physicochemical variation, residue mobility, and thermodynamic stability) performed at Invitae indicates that this missense variant is not expected to disrupt GUCY2D protein function with a negative predictive value of 80%. In summary, the available evidence is currently insufficient to determine the role of this variant in disease. Therefore, it has been classified as a Variant of Uncertain Significance.

NM_000180.4(GUCY2D):c.139C>T (p.Pro47Ser)

Gene: GUCY2D (guanylate cyclase 2D, retinal; plus strand). Cytogenetic location: 17p13.1.
Variant type: single nucleotide variant.
Coding change: c.139C>T on transcript NM_000180.4 (MANE Select); coding-DNA position 139, C replaced by T.
Protein change: p.Pro47Ser; replaces proline 47 with serine.
Molecular consequence: missense variant.
Genome position (GRCh38, 1-based): chr17:8,003,186, C>T. VCF-style: chr17-8003186-C-T. GRCh37 (hg19) VCF-style: chr17-7906504-C-T.
Other names: short protein forms P47S.
Identifiers: ClinVar variation 2196744 (VCV002196744.4), dbSNP rs1217957096, ClinGen allele CA397942824.
Genomic context (GRCh38, chr17:8,003,186, plus strand): 5'-CCCCGCCTCCCCCGGGCCCTGCCCCGGCTCCCGCTCCTGCTGCTCCTGCTTCTGCTGCAG[C>T]CCCCCGCCCTCTCCGCCGTGTTCACGGTGGGGGTCCTGGGCCCCTGGGCTTGCGACCCCA-3'
Protein context (NP_000171.1, residues 37-57): PLLLLLLLLQ[Pro47Ser]PALSAVFTVG